The following is an entry in ClinVar:

ClinVar aggregate classification (germline): Uncertain significance (1 of 4 stars; one submission).

Conditions:
Cardiovascular phenotype. Identifiers: MedGen CN230736.

Submission:

Ambry Genetics
Classification: Uncertain significance for Cardiovascular phenotype. Last evaluated: 2025-12-12. Review status: criteria provided, single submitter. Criteria: Ambry Variant Classification Scheme 2023. Collection method: clinical testing. Allele origin: germline.
Comment: The c.1149+3A>G intronic variant results from an A to G substitution 3 nucleotides after coding exon 10 in the DMD gene. This nucleotide position is highly conserved in available vertebrate species. In silico splice site analysis predicts that this alteration will not have any significant effect on splicing. Based on the available evidence, the clinical significance of this variant remains unclear.

NM_004006.3(DMD):c.1149+3A>G

Gene: DMD (dystrophin; minus strand). Cytogenetic location: Xp21.1.
Variant type: single nucleotide variant.
Coding change: c.1149+3A>G on transcript NM_004006.3 (MANE Select); 3 bases into the intron after coding-DNA position 1149, A replaced by G.
Molecular consequence: intron variant.
Genome position (GRCh38, 1-based): chrX:32,644,961, T>C on the plus strand (A>G on the coding strand, the complement: DMD is on the minus strand). VCF-style: chrX-32644961-T-C. GRCh37 (hg19) VCF-style: chrX-32663078-T-C.
Other names: c.780+3A>G (NM_004010.3); c.1125+3A>G (NM_000109.4); c.1137+3A>G (NM_004009.3).
Identifiers: ClinVar variation 4613982 (VCV004613982.1).
Genomic context (GRCh38, chrX:32,644,961, plus strand): 5'-AAGGATGACTTGCCATTATAACAAGTCATATGTTTTGTTTTGTAAATTAACGTTTTAGTT[T>C]ACCTCATGAGTATGAAACTGGTCTTTCACCACTTCCACATCATTAGAAATCTCTCCTTGT-3'